The following is an entry in ClinVar:

ClinVar aggregate classification (germline): Pathogenic (1 of 4 stars; one submission).

Conditions:
Saldino-Mainzer syndrome (SRTD9). Also called: CONORENAL SYNDROME; Renal dysplasia, retinal pigmentary dystrophy, cerebellar ataxia and skeletal dysplasia; SHORT-RIB THORACIC DYSPLASIA 9 WITHOUT POLYDACTYLY; short-rib thoracic dysplasia 9 with or without polydactyly. Identifiers: Orphanet 140969, MedGen C1849437, MONDO:0009964, OMIM 266920.

Submission:

Labcorp Genetics (formerly Invitae), Labcorp
Classification: Pathogenic for Saldino-Mainzer syndrome. Last evaluated: 2022-06-20. Review status: criteria provided, single submitter. Criteria: Invitae Variant Classification Sherloc (09022015). Collection method: clinical testing. Allele origin: unknown.
Comment: For these reasons, this variant has been classified as Pathogenic. This variant disrupts the p.Gly522 amino acid residue in IFT140. Other variant(s) that disrupt this residue have been determined to be pathogenic (PMID: 23418020, 26766544, 29688594). This suggests that this residue is clinically significant, and that variants that disrupt this residue are likely to be disease-causing. This variant has not been reported in the literature in individuals affected with IFT140-related conditions. This variant results in the deletion of exons 5-18 and part of exon 4 (c.299_2200-605delinsACATCTCT) of the IFT140 gene. It is expected to disrupt RNA splicing. Variants that disrupt the donor or acceptor splice site typically lead to a loss of protein function (PMID: 16199547), and loss-of-function variants in IFT140 are known to be pathogenic (PMID: 22503633, 23418020, 24009529, 26216056).

Literature cited by the submitters: PubMed 23418020; PubMed 26766544; PubMed 29688594; PubMed 16199547; PubMed 22503633; PubMed 24009529; PubMed 26216056.

NC_000016.9:g.(?_1608740)_(1652441_?)del

Gene: IFT140 (intraflagellar transport 140; minus strand). Cytogenetic location: 16p13.3.
Variant type: Deletion.
Identifiers: ClinVar variation 3243432 (VCV003243432.1).